The following is an entry in ClinVar:

NM_006445.4(PRPF8):c.4246A>G (p.Ile1416Val)

Gene: PRPF8 (pre-mRNA processing factor 8; minus strand). Cytogenetic location: 17p13.3.
Variant type: single nucleotide variant.
Coding change: c.4246A>G on transcript NM_006445.4 (MANE Select); coding-DNA position 4246, A replaced by G.
Protein change: p.Ile1416Val; replaces isoleucine 1416 with valine.
Molecular consequence: missense variant.
Genome position (GRCh38, 1-based): chr17:1,661,363, T>C on the plus strand (A>G on the coding strand, the complement: PRPF8 is on the minus strand). VCF-style: chr17-1661363-T-C. GRCh37 (hg19) VCF-style: chr17-1564657-T-C.
Other names: short protein forms I1416V.
Identifiers: ClinVar variation 4527531 (VCV004527531.1).

ClinVar aggregate classification (germline): Uncertain significance (1 of 4 stars; one submission).

Submission:

GeneDx
Classification: Uncertain significance. Last evaluated: 2025-04-23. Review status: criteria provided, single submitter. Criteria: GeneDx Variant Classification Process June 2021. Collection method: clinical testing. Allele origin: germline. Affected: yes.
Comment: Not observed at significant frequency in large population cohorts (gnomAD); In silico analysis indicates that this missense variant does not alter protein structure/function; Has not been previously published as pathogenic or benign to our knowledge